The following is an entry in ClinVar:

NM_018191.4(RCBTB1):c.608A>G (p.Tyr203Cys)

Gene: RCBTB1 (RCC1 and BTB domain containing protein 1; minus strand). Cytogenetic location: 13q14.2.
Variant type: single nucleotide variant.
Coding change: c.608A>G on transcript NM_018191.4 (MANE Select); coding-DNA position 608, A replaced by G.
Protein change: p.Tyr203Cys; replaces tyrosine 203 with cysteine.
Molecular consequence: missense variant. On other transcripts: non-coding transcript variant (2).
Genome position (GRCh38, 1-based): chr13:49,552,281, T>C on the plus strand (A>G on the coding strand, the complement: RCBTB1 is on the minus strand). VCF-style: chr13-49552281-T-C. GRCh37 (hg19) VCF-style: chr13-50126417-T-C.
Other names: c.608A>G, p.Tyr203Cys (NM_001352500.2, NM_001352501.2, NM_001352502.2 and 3 more transcripts); c.29A>G, p.Tyr10Cys (NM_001352506.2); short protein forms Y10C, Y203C.
Identifiers: ClinVar variation 939436 (VCV000939436.8), dbSNP rs772721380, ClinGen allele CA6982823.

ClinVar aggregate classification (germline): Uncertain significance. Review status: criteria provided, multiple submitters, no conflicts (2 of 4 stars). 3 submissions from 3 submitters: Uncertain significance (3). Last evaluated 2024-11-13.

Allele frequency attached by ClinVar (database versions not stated): gnomAD 0.00001; gnomAD exomes 0.00001; TOPMed 0.00002; ExAC 0.00003.
gnomAD v4.1: 15 of 1,594,382 alleles (0.00094%); highest among the groups gnomAD compares: Non-Finnish European, 0.0012%; no homozygotes.

Submissions (3):

Labcorp Genetics (formerly Invitae), Labcorp
Classification: Uncertain significance. Last evaluated: 2024-11-13. Review status: criteria provided, single submitter. Criteria: Invitae Variant Classification Sherloc (09022015). Collection method: clinical testing. Allele origin: germline.
Comment: This sequence change replaces tyrosine, which is neutral and polar, with cysteine, which is neutral and slightly polar, at codon 203 of the RCBTB1 protein (p.Tyr203Cys). The frequency data for this variant in the population databases is considered unreliable, as metrics indicate poor data quality at this position in the gnomAD database. This variant has not been reported in the literature in individuals affected with RCBTB1-related conditions. ClinVar contains an entry for this variant (Variation ID: 939436). Invitae Evidence Modeling of protein sequence and biophysical properties (such as structural, functional, and spatial information, amino acid conservation, physicochemical variation, residue mobility, and thermodynamic stability) has been performed for this missense variant. However, the output from this modeling did not meet the statistical confidence thresholds required to predict the impact of this variant on RCBTB1 protein function. In summary, the available evidence is currently insufficient to determine the role of this variant in disease. Therefore, it has been classified as a Variant of Uncertain Significance.

Blueprint Genetics
Classification: Uncertain significance. Last evaluated: 2024-01-11. Review status: criteria provided, single submitter. Criteria: ACMG Guidelines, 2015. Collection method: clinical testing. Allele origin: germline.

Ambry Genetics
Classification: Uncertain significance. Last evaluated: 2023-01-23. Review status: criteria provided, single submitter. Criteria: Ambry Variant Classification Scheme 2023. Collection method: clinical testing. Allele origin: germline.